The following is an entry in ClinVar:

NM_001365999.1(SZT2):c.9723G>A (p.Ala3241=)

Genes: SZT2 (SZT2 subunit of KICSTOR complex; plus strand), SZT2-AS1 (SZT2 antisense RNA 1; minus strand). Cytogenetic location: 1p34.2.
Variant type: single nucleotide variant.
Coding change: c.9723G>A on transcript NM_001365999.1 (MANE Select); coding-DNA position 9723, G replaced by A.
Protein change: p.Ala3241=; no amino-acid change (alanine 3241 retained).
Molecular consequence: synonymous variant. On other transcripts: non-coding transcript variant (1).
Genome position (GRCh38, 1-based): chr1:43,448,238, G>A. VCF-style: chr1-43448238-G-A. GRCh37 (hg19) VCF-style: chr1-43913909-G-A.
Other names: c.9552G>A, p.Ala3184= (NM_015284.4).
Identifiers: ClinVar variation 416973 (VCV000416973.52), dbSNP rs146635122, ClinGen allele CA810997.
Genomic context (GRCh38, chr1:43,448,238, plus strand): 5'-GCCAGAGGCTCCTGGGAGTTCAGCTGGCAGCCCTGGGGAGGCCTCAGGGCTTATTCTAGC[G>A]CCTGGACCGGCTCCTCTGTTCCCACCACTGGCTGCAGAGGTGGGCATGGCACGAGCACGG-3'
Protein context (NP_001352928.1, residues 3231-3251): SPGEASGLIL[Ala3241=]PGPAPLFPPL

ClinVar aggregate classification (germline): Benign/Likely benign. Review status: criteria provided, multiple submitters, no conflicts (2 of 4 stars). 11 submissions from 11 submitters: Benign (4); Likely benign (4). 3 of the submissions do not count toward it. Last evaluated 2026-05-01.

Conditions:
Inborn genetic diseases. Identifiers: MedGen C0950123, MeSH D030342.
Developmental and epileptic encephalopathy, 18 (DEE18). Also called: Early infantile epileptic encephalopathy 18. Identifiers: Orphanet 369894, MedGen C3809624, MONDO:0014201, OMIM 615476.

Allele frequency attached by ClinVar (database versions not stated): 1000 Genomes Project 30x 0.00094; 1000 Genomes Project 0.00100; ESP Exome Variant Server 0.00108; gnomAD exomes 0.00140 and 0.00219; TOPMed 0.00143; gnomAD 0.00144 and 0.00145; ExAC 0.00352.
gnomAD v4.1: 2,337 of 1,593,688 alleles (0.15%); highest among the groups gnomAD compares: Middle Eastern, 1.2%; 16 homozygotes.

Submissions (11):

CeGaT Center for Human Genetics Tuebingen
Classification: Likely benign. Last evaluated: 2026-05-01. Review status: criteria provided, single submitter. Criteria: CeGaT Center For Human Genetics Tuebingen Variant Classification Criteria Version 2. Collection method: clinical testing. Allele origin: germline. Affected: yes. Observed: 11 variant alleles.
Comment: SZT2: BP4, BP7

Labcorp Genetics (formerly Invitae), Labcorp
Classification: Benign. Last evaluated: 2026-02-03. Review status: criteria provided, single submitter. Criteria: Invitae Variant Classification Sherloc (09022015). Collection method: clinical testing. Allele origin: germline.

Athena Diagnostics
Classification: Benign. Last evaluated: 2025-04-15. Review status: criteria provided, single submitter. Criteria: Athena Diagnostics Criteria. Collection method: clinical testing. Allele origin: unknown.
Comment: The frequency of this variant in the general population is higher than would generally be expected for pathogenic variants in this gene.

Blueprint Genetics
Classification: Likely benign. Last evaluated: 2024-10-23. Review status: criteria provided, single submitter. Criteria: ACMG Guidelines, 2015. Collection method: clinical testing. Allele origin: germline.

Genome-Nilou Lab
Classification: Benign for Developmental and epileptic encephalopathy, 18. Last evaluated: 2023-04-11. Review status: criteria provided, single submitter. Criteria: ACMG Guidelines, 2015. Collection method: clinical testing. Allele origin: germline. Affected: no.

GeneDx
Classification: Benign. Last evaluated: 2019-01-18. Review status: criteria provided, single submitter. Criteria: GeneDx Variant Classification Process June 2021. Collection method: clinical testing. Allele origin: germline. Affected: yes.

Ambry Genetics
Classification: Likely benign for Inborn genetic diseases. Last evaluated: 2016-05-31. Review status: criteria provided, single submitter. Criteria: Ambry Variant Classification Scheme 2023. Collection method: clinical testing. Allele origin: germline.

Breakthrough Genomics
Classification: Likely benign. Review status: criteria provided, single submitter. Criteria: ACMG Guidelines, 2015. Collection method: not provided. Allele origin: germline. Inheritance: Autosomal recessive inheritance. Affected: yes.

Clinical Genetics DNA and cytogenetics Diagnostics Lab, Erasmus MC, Erasmus Medical Center
Classification: Likely benign. Review status: no assertion criteria provided. Collection method: clinical testing. Allele origin: germline. Affected: yes. Study: VKGL Data-share Consensus. Not counted in ClinVar's aggregate classification.

Genome Diagnostics Laboratory, University Medical Center Utrecht
Classification: Likely benign. Review status: no assertion criteria provided. Collection method: clinical testing. Allele origin: germline. Affected: yes. Study: VKGL Data-share Consensus. Not counted in ClinVar's aggregate classification.

Laboratory of Diagnostic Genome Analysis, Leiden University Medical Center (LUMC)
Classification: Likely benign. Review status: no assertion criteria provided. Collection method: clinical testing. Allele origin: germline. Affected: yes. Study: VKGL Data-share Consensus. Not counted in ClinVar's aggregate classification.